The following is an entry in ClinVar:

NM_006767.4(LZTR1):c.1210G>A (p.Gly404Arg)

Gene: LZTR1 (leucine zipper like post translational regulator 1; plus strand). Cytogenetic location: 22q11.21.
Variant type: single nucleotide variant.
Coding change: c.1210G>A on transcript NM_006767.4 (MANE Select); coding-DNA position 1210, G replaced by A.
Protein change: p.Gly404Arg; replaces glycine 404 with arginine.
Molecular consequence: missense variant.
Genome position (GRCh38, 1-based): chr22:20,992,854, G>A. VCF-style: chr22-20992854-G-A. GRCh37 (hg19) VCF-style: chr22-21347143-G-A.
Other names: c.1210G>A (NM_006767.3); short protein forms G404R.
Identifiers: ClinVar variation 1059564 (VCV001059564.8), dbSNP rs1470449160, ClinGen allele CA410773922.

ClinVar aggregate classification (germline): Uncertain significance. Review status: criteria provided, multiple submitters, no conflicts (2 of 4 stars). 3 submissions from 3 submitters: Uncertain significance (3). Last evaluated 2026-02-15.

Conditions:
Cardiovascular phenotype. Identifiers: MedGen CN230736.
Hereditary cancer-predisposing syndrome. Also called: Tumor predisposition; Hereditary neoplastic syndrome; Neoplastic Syndromes, Hereditary; Hereditary Cancer Syndrome. Identifiers: Orphanet 140162, MedGen C0027672, MeSH D009386, MONDO:0015356.
LZTR1-related disorder. Also called: LZTR1-related disorders; LZTR1-related condition.

Allele frequency attached by ClinVar (database versions not stated): gnomAD exomes below 0.00001; gnomAD 0.00001; TOPMed 0.00001.
gnomAD v4.1: 11 of 1,610,146 alleles (0.00068%); highest among the groups gnomAD compares: African/African-American, 0.0013%; no homozygotes.

Submissions (3):

PreventionGenetics, part of Exact Sciences
Classification: Uncertain significance for LZTR1-related condition. Last evaluated: 2026-02-15. Review status: criteria provided, single submitter. Criteria: ACMG Guidelines, 2015. Collection method: clinical testing. Allele origin: germline.
Comment: The LZTR1 c.1210G>A variant is predicted to result in the amino acid substitution p.Gly404Arg. This variant has been reported in multiple individuals with schwannomatosis (Piotrowski et al. 2014. PubMed ID: 24362817; Steklov et al. 2018. PubMed ID: 30442762; Loh et al. 2022. PubMed ID: 35698239). Experimental studies suggest this variant may impact LZTR1 function (Steklov et al. 2018. PubMed ID: 30442762). This variant is reported in 0.0099% of alleles in individuals of Ashkenazi Jewish descent in gnomAD. Although we suspect that this variant may be pathogenic, at this time, the clinical significance of this variant is uncertain due to the absence of conclusive functional and genetic evidence.

Labcorp Genetics (formerly Invitae), Labcorp
Classification: Uncertain significance. Last evaluated: 2024-11-20. Review status: criteria provided, single submitter. Criteria: Invitae Variant Classification Sherloc (09022015). Collection method: clinical testing. Allele origin: germline.
Comment: This sequence change replaces glycine, which is neutral and non-polar, with arginine, which is basic and polar, at codon 404 of the LZTR1 protein (p.Gly404Arg). The frequency data for this variant in the population databases is considered unreliable, as metrics indicate poor data quality at this position in the gnomAD database. This missense change has been observed in individual(s) with schwannomatosis (PMID: 24362817, 27856782, 35698239). ClinVar contains an entry for this variant (Variation ID: 1059564). Invitae Evidence Modeling of protein sequence and biophysical properties (such as structural, functional, and spatial information, amino acid conservation, physicochemical variation, residue mobility, and thermodynamic stability) indicates that this missense variant is not expected to disrupt LZTR1 protein function with a negative predictive value of 80%. Experimental studies have shown that this missense change affects LZTR1 function (PMID: 30442762). In summary, the available evidence is currently insufficient to determine the role of this variant in disease. Therefore, it has been classified as a Variant of Uncertain Significance.

Ambry Genetics
Classification: Uncertain significance for Cardiovascular phenotype; Hereditary cancer-predisposing syndrome. Last evaluated: 2023-03-06. Review status: criteria provided, single submitter. Criteria: Ambry Variant Classification Scheme 2023. Collection method: clinical testing. Allele origin: germline.
Comment: The p.G404R variant (also known as c.1210G>A), located in coding exon 11 of the LZTR1 gene, results from a G to A substitution at nucleotide position 1210. The glycine at codon 404 is replaced by arginine, an amino acid with dissimilar properties. This alteration has been reported in two members of the same family with schwannomatosis (Smith MJ et al. Neurology, 2017 Jan;88:87-92). This amino acid position is highly conserved in available vertebrate species. In addition, this alteration is predicted to be deleterious by in silico analysis. Since supporting evidence is limited at this time, the clinical significance of this alteration remains unclear.

Literature cited by the submitters: PubMed 24362817 (cited by Labcorp Genetics (formerly Invitae), Labcorp); PubMed 27856782 (cited by Labcorp Genetics (formerly Invitae), Labcorp); PubMed 35698239 (cited by Labcorp Genetics (formerly Invitae), Labcorp); PubMed 30442762 (cited by Labcorp Genetics (formerly Invitae), Labcorp).